The following is an entry in ClinVar:

NM_000202.8(IDS):c.1556C>T (p.Ala519Val)

Gene: IDS (iduronate 2-sulfatase; minus strand). Cytogenetic location: Xq28.
Variant type: single nucleotide variant.
Coding change: c.1556C>T on transcript NM_000202.8 (MANE Select); coding-DNA position 1556, C replaced by T.
Protein change: p.Ala519Val; replaces alanine 519 with valine.
Molecular consequence: missense variant.
Genome position (GRCh38, 1-based): chrX:149,482,843, G>A on the plus strand (C>T on the coding strand, the complement: IDS is on the minus strand). VCF-style: chrX-149482843-G-A. GRCh37 (hg19) VCF-style: chrX-148564374-G-A.
Other names: c.1286C>T, p.Ala429Val (NM_001166550.4); short protein forms A429V, A519V.
Identifiers: ClinVar variation 3636338 (VCV003636338.2).
Genomic context (GRCh38, chrX:149,482,843, plus strand): 5'-GAATCATTATACATATTGTGATCCTGCAATGGGTCAGAATCCACAAAATACAGTTCCCCT[G>A]CATGGATGTCAGAAAAGTTAGCTAGAAATTCATCAGGATTGAAGCCAACCCACACAGTAT-3'
Protein context (NP_000193.1, residues 509-529): EFLANFSDIH[Ala519Val]GELYFVDSDP

ClinVar aggregate classification (germline): Uncertain significance (1 of 4 stars; one submission).

Conditions:
Mucopolysaccharidosis, MPS-II (MPS2). Also called: Attenuated MPS (subtype; formerly known as mild MPS II); Severe MPS II; I2S deficiency; MPS 2; Hunter Syndrome; IDURONATE 2-SULFATASE DEFICIENCY. Identifiers: Orphanet 580, Orphanet 79388, MedGen C0026705, MONDO:0010674, OMIM 309900.

Submission:

Labcorp Genetics (formerly Invitae), Labcorp
Classification: Uncertain significance for Mucopolysaccharidosis, MPS-II. Last evaluated: 2024-04-25. Review status: criteria provided, single submitter. Criteria: Invitae Variant Classification Sherloc (09022015). Collection method: clinical testing. Allele origin: germline.
Comment: This sequence change replaces alanine, which is neutral and non-polar, with valine, which is neutral and non-polar, at codon 519 of the IDS protein (p.Ala519Val). This variant is not present in population databases (gnomAD no frequency). This variant has not been reported in the literature in individuals affected with IDS-related conditions. Advanced modeling of protein sequence and biophysical properties (such as structural, functional, and spatial information, amino acid conservation, physicochemical variation, residue mobility, and thermodynamic stability) has been performed at Invitae for this missense variant, however the output from this modeling did not meet the statistical confidence thresholds required to predict the impact of this variant on IDS protein function. In summary, the available evidence is currently insufficient to determine the role of this variant in disease. Therefore, it has been classified as a Variant of Uncertain Significance.